The following is an entry in ClinVar:

NM_014753.4(BMS1):c.3281-10C>T

Gene: BMS1 (BMS1 ribosome biogenesis factor; plus strand). Cytogenetic location: 10q11.21.
Variant type: single nucleotide variant.
Coding change: c.3281-10C>T on transcript NM_014753.4 (MANE Select); 10 bases into the intron before coding-DNA position 3281, C replaced by T.
Molecular consequence: intron variant.
Genome position (GRCh38, 1-based): chr10:42,823,599, C>T. VCF-style: chr10-42823599-C-T. GRCh37 (hg19) VCF-style: chr10-43319047-C-T.
Identifiers: ClinVar variation 3052033 (VCV003052033.3), dbSNP rs756897099, ClinGen allele CA5476309.

ClinVar aggregate classification (germline): Likely benign. Review status: criteria provided, single submitter (1 of 4 stars). 2 submissions from 2 submitters: Likely benign (1). 1 of the submissions does not count toward it. Last evaluated 2024-09-04.

Conditions:
BMS1-related disorder. Also called: BMS1-related condition.

Allele frequency attached by ClinVar (database versions not stated): gnomAD 0.00002; TOPMed 0.00003; gnomAD exomes 0.00004; ExAC 0.00007.
gnomAD v4.1: 57 of 1,517,154 alleles (0.0038%); highest among the groups gnomAD compares: Middle Eastern, 0.073%; no homozygotes.

Submissions (2):

Blueprint Genetics
Classification: Likely benign. Last evaluated: 2024-09-04. Review status: criteria provided, single submitter. Criteria: ACMG Guidelines, 2015. Collection method: clinical testing. Allele origin: germline.

PreventionGenetics, part of Exact Sciences
Classification: Likely benign for BMS1-related condition. Last evaluated: 2020-01-08. Review status: no assertion criteria provided. Collection method: clinical testing. Allele origin: germline. Not counted in ClinVar's aggregate classification.
Comment: This variant is classified as likely benign based on ACMG/AMP sequence variant interpretation guidelines (Richards et al. 2015 PMID: 25741868, with internal and published modifications).